The following is an entry in ClinVar:

NM_000054.7(AVPR2):c.1037G>A (p.Arg346His)

Gene: AVPR2 (arginine vasopressin receptor 2; plus strand). Cytogenetic location: Xq28.
Variant type: single nucleotide variant.
Coding change: c.1037G>A on transcript NM_000054.7 (MANE Select); coding-DNA position 1037, G replaced by A.
Protein change: p.Arg346His; replaces arginine 346 with histidine.
Molecular consequence: missense variant. On other transcripts: 3 prime UTR variant (1), non-coding transcript variant (1).
Genome position (GRCh38, 1-based): chrX:153,906,649, G>A. VCF-style: chrX-153906649-G-A. GRCh37 (hg19) VCF-style: chrX-153172103-G-A.
Other names: c.*213G>A (NM_001146151.3); short protein forms R346H.
Identifiers: ClinVar variation 4887329 (VCV004887329.1).

ClinVar aggregate classification (germline): Uncertain significance (1 of 4 stars; one submission).

Submission:

Women's Health and Genetics/Laboratory Corporation of America, LabCorp
Classification: Uncertain significance. Last evaluated: 2026-06-11. Review status: criteria provided, single submitter. Criteria: LabCorp Variant Classification Summary - May 2015. Collection method: clinical testing. Allele origin: germline.
Comment: Variant summary: AVPR2 c.1037G>A (p.Arg346His) results in a non-conservative amino acid change in the encoded protein sequence. Algorithms developed to predict the effect of missense changes on protein structure and function are either unavailable or do not agree on the potential impact of this missense change. The variant was absent in 181039 control chromosomes. The available data on variant occurrences in the general population are insufficient to allow any conclusion about variant significance. To our knowledge, no occurrence of c.1037G>A in individuals affected with AVPR2-related conditions and no experimental evidence demonstrating its impact on protein function have been reported. No submitters have cited clinical-significance assessments for this variant to ClinVar. Based on the evidence outlined above, the variant was classified as uncertain significance.